The following is an entry in ClinVar:

NM_004655.4(AXIN2):c.1369G>A (p.Val457Ile)

Gene: AXIN2 (axin 2; minus strand). Cytogenetic location: 17q24.1.
Variant type: single nucleotide variant.
Coding change: c.1369G>A on transcript NM_004655.4 (MANE Select); coding-DNA position 1369, G replaced by A.
Protein change: p.Val457Ile; replaces valine 457 with isoleucine.
Molecular consequence: missense variant.
Genome position (GRCh38, 1-based): chr17:65,537,667, C>T on the plus strand (G>A on the coding strand, the complement: AXIN2 is on the minus strand). VCF-style: chr17-65537667-C-T. GRCh37 (hg19) VCF-style: chr17-63533785-C-T.
Other names: c.1369G>A (LRG_296t1); c.1369G>A, p.Val457Ile (NM_001363813.1); short protein forms V457I.
Identifiers: ClinVar variation 408822 (VCV000408822.18), dbSNP rs778612433, ClinGen allele CA8718670.
Genomic context (GRCh38, chr17:65,537,667, plus strand): 5'-ACTGCGAATGGTGGTGGTGGTGGTGGTCCGGGGAGCGGGAGCGGGGGCTATAGCGGCCTA[C>T]GCCTGGAGACTGGCAGCCAGGGGTCTTGAGGACCCTGGACAGGTGATCGTCCAGTATCGT-3'
Protein context (NP_004646.3, residues 447-467): LKTPGCQSPG[Val457Ile]GRYSPRSRSP

ClinVar aggregate classification (germline): Conflicting classifications of pathogenicity. Review status: criteria provided, conflicting classifications (1 of 4 stars). 5 submissions from 5 submitters: Uncertain significance (4); Likely benign (1). Last evaluated 2026-05-28.

Conditions:
AXIN2-related disorder.
Hereditary cancer-predisposing syndrome. Also called: Neoplastic Syndromes, Hereditary; Tumor predisposition; Hereditary Cancer Syndrome; Hereditary neoplastic syndrome. Identifiers: Orphanet 140162, MedGen C0027672, MeSH D009386, MONDO:0015356.
Oligodontia-cancer predisposition syndrome. Also called: TOOTH AGENESIS-COLORECTAL CANCER SYNDROME. Identifiers: Orphanet 300576, MedGen C1837750, MONDO:0012075, OMIM 608615. Disease mechanism: loss of function.

Allele frequency attached by ClinVar (database versions not stated): ExAC below 0.00001; TOPMed 0.00002; gnomAD 0.00004.
gnomAD v4.1: 30 of 1,562,290 alleles (0.0019%); highest among the groups gnomAD compares: Non-Finnish European, 0.0025%; no homozygotes.

Submissions (5):

PreventionGenetics, part of Exact Sciences
Classification: Uncertain significance for AXIN2-related condition. Last evaluated: 2026-05-28. Review status: criteria provided, single submitter. Criteria: ACMG Guidelines, 2015. Collection method: clinical testing. Allele origin: germline.
Comment: The AXIN2 c.1369G>A variant is predicted to result in the amino acid substitution p.Val457Ile. To our knowledge, this variant has not been reported in the literature or in a large population database (gnomAD), indicating this variant is rare. It has conflicting interpretations in ClinVar ranging from likely benign to uncertain (Variation ID: 408822). At this time, the clinical significance of this variant is uncertain due to the absence of conclusive functional and genetic evidence.

Labcorp Genetics (formerly Invitae), Labcorp
Classification: Uncertain significance for Oligodontia-cancer predisposition syndrome. Last evaluated: 2025-11-30. Review status: criteria provided, single submitter. Criteria: Invitae Variant Classification Sherloc (09022015). Collection method: clinical testing. Allele origin: germline.
Comment: This sequence change replaces valine, which is neutral and non-polar, with isoleucine, which is neutral and non-polar, at codon 457 of the AXIN2 protein (p.Val457Ile). This variant is not present in population databases (gnomAD no frequency). This variant has not been reported in the literature in individuals affected with AXIN2-related conditions. ClinVar contains an entry for this variant (Variation ID: 408822). An algorithm developed to predict the effect of missense changes on protein structure and function (PolyPhen-2) suggests that this variant is likely to be tolerated. In summary, the available evidence is currently insufficient to determine the role of this variant in disease. Therefore, it has been classified as a Variant of Uncertain Significance.

Quest Diagnostics Nichols Institute San Juan Capistrano
Classification: Uncertain significance. Last evaluated: 2025-08-13. Review status: criteria provided, single submitter. Criteria: Quest Diagnostics criteria. Collection method: clinical testing. Allele origin: unknown.
Comment: The AXIN2 c.1369G>A (p.Val457Ile) variant has not been reported in individuals with AXIN2-related conditions in the published literature. The frequency of this variant in the general population (Genome Aggregation Database) is higher than would generally be expected for pathogenic variants in this gene. Analysis of this variant using bioinformatics tools for the prediction of the effect of amino acid changes on protein structure and function yielded predictions that this variant is benign. Based on the available information, we are unable to determine the clinical significance of this variant.

GeneDx
Classification: Uncertain significance. Last evaluated: 2023-12-19. Review status: criteria provided, single submitter. Criteria: GeneDx Variant Classification Process June 2021. Collection method: clinical testing. Allele origin: germline. Affected: yes.
Comment: Not observed at significant frequency in large population cohorts (gnomAD); In silico analysis supports that this missense variant does not alter protein structure/function; Has not been previously published as pathogenic or benign to our knowledge; This variant is associated with the following publications: (PMID: 34128847, 15735151)

Ambry Genetics
Classification: Likely benign for Hereditary cancer-predisposing syndrome. Last evaluated: 2023-11-14. Review status: criteria provided, single submitter. Criteria: Ambry Variant Classification Scheme 2023. Collection method: clinical testing. Allele origin: germline.